The following is an entry in ClinVar:

NM_001369.3(DNAH5):c.8225-2A>G

Gene: DNAH5 (dynein axonemal heavy chain 5; minus strand). Cytogenetic location: 5p15.2.
Variant type: single nucleotide variant.
Coding change: c.8225-2A>G on transcript NM_001369.3 (MANE Select); the canonical splice acceptor site of the intron before coding-DNA position 8225, A replaced by G.
Molecular consequence: splice acceptor variant.
Genome position (GRCh38, 1-based): chr5:13,792,219, T>C on the plus strand (A>G on the coding strand, the complement: DNAH5 is on the minus strand). VCF-style: chr5-13792219-T-C. GRCh37 (hg19) VCF-style: chr5-13792328-T-C.
Identifiers: ClinVar variation 1525444 (VCV001525444.8), dbSNP rs2126901340, ClinGen allele CA359219887.
Genomic context (GRCh38, chr5:13,792,219, plus strand): 5'-ATCTCTCACTTCTTCTGAGAAACCCCTCTGAGTACAGTAGTGGCCTACCCCAATCACACC[T>C]GAAAAGGGGGAAATTACAGCATTTTGATTAGCCATTCAAAGAAATTAAATGAAAATGAAA-3'

ClinVar aggregate classification (germline): Likely pathogenic (1 of 4 stars; one submission).

Conditions:
Primary ciliary dyskinesia. Also called: Ciliary dyskinesia. Identifiers: Orphanet 244, MedGen C0008780, MONDO:0016575, HP:0012265.

Allele frequency attached by ClinVar (database versions not stated): gnomAD exomes below 0.00001.
gnomAD v4.1: 1 of 1,609,982 alleles (0.000062%); highest among the groups gnomAD compares: Non-Finnish European, 0.000085%; no homozygotes.

Submission:

Labcorp Genetics (formerly Invitae), Labcorp
Classification: Likely pathogenic for Primary ciliary dyskinesia. Last evaluated: 2021-02-13. Review status: criteria provided, single submitter. Criteria: Invitae Variant Classification Sherloc (09022015). Collection method: clinical testing. Allele origin: germline.
Comment: This sequence change affects an acceptor splice site in intron 49 of the DNAH5 gene. It is expected to disrupt RNA splicing. Variants that disrupt the donor or acceptor splice site typically lead to a loss of protein function (PMID: 16199547), and loss-of-function variants in DNAH5 are known to be pathogenic (PMID: 11788826, 16627867). This variant is not present in population databases (ExAC no frequency). This variant has not been reported in the literature in individuals with DNAH5-related conditions. Algorithms developed to predict the effect of sequence changes on RNA splicing suggest that this variant may disrupt the consensus splice site, but this prediction has not been confirmed by published transcriptional studies. In summary, the currently available evidence indicates that the variant is pathogenic, but additional data are needed to prove that conclusively. Therefore, this variant has been classified as Likely Pathogenic.

Literature cited by the submitters: PubMed 16199547; PubMed 11788826; PubMed 16627867.